The following is an entry in ClinVar:

ClinVar aggregate classification (germline): Uncertain significance (1 of 4 stars; one submission).

Conditions:
Fanconi anemia (FA). Also called: Fanconi's anemia. Identifiers: Orphanet 84, MedGen C0015625, MeSH D005199, MONDO:0019391.

Allele frequency attached by ClinVar (database versions not stated): gnomAD exomes below 0.00001 and 0.00001; ExAC 0.00002.
gnomAD v4.1: 5 of 1,614,024 alleles (0.00031%); highest among the groups gnomAD compares: Non-Finnish European, 0.00042%; no homozygotes.

Submission:

Labcorp Genetics (formerly Invitae), Labcorp
Classification: Uncertain significance for Fanconi anemia. Last evaluated: 2024-06-05. Review status: criteria provided, single submitter. Criteria: Invitae Variant Classification Sherloc (09022015). Collection method: clinical testing. Allele origin: germline.
Comment: This sequence change replaces lysine, which is basic and polar, with glutamine, which is neutral and polar, at codon 269 of the FANCD2 protein (p.Lys269Gln). This variant is present in population databases (rs747977469, gnomAD 0.003%). This missense change has been observed in individual(s) with acute myeloid leukemia (PMID: 37216690). ClinVar contains an entry for this variant (Variation ID: 837070). Advanced modeling of protein sequence and biophysical properties (such as structural, functional, and spatial information, amino acid conservation, physicochemical variation, residue mobility, and thermodynamic stability) performed at Invitae indicates that this missense variant is not expected to disrupt FANCD2 protein function with a negative predictive value of 80%. In summary, the available evidence is currently insufficient to determine the role of this variant in disease. Therefore, it has been classified as a Variant of Uncertain Significance.

Literature cited by the submitters: PubMed 37216690.

NM_001018115.3(FANCD2):c.805A>C (p.Lys269Gln)

Genes: FANCD2 (FA complementation group D2; plus strand), LOC107303338 (3p25 FANCD2 Alu-mediated recombination region; plus strand). Cytogenetic location: 3p25.3.
Variant type: single nucleotide variant.
Coding change: c.805A>C on transcript NM_001018115.3 (MANE Select); coding-DNA position 805, A replaced by C.
Protein change: p.Lys269Gln; replaces lysine 269 with glutamine.
Molecular consequence: missense variant.
Genome position (GRCh38, 1-based): chr3:10,042,580, A>C. VCF-style: chr3-10042580-A-C. GRCh37 (hg19) VCF-style: chr3-10084264-A-C.
Other names: c.805A>C, p.Lys269Gln (NM_001319984.2, NM_001374253.1, NM_001374254.1 and 1 more transcripts); short protein forms K269Q.
Identifiers: ClinVar variation 837070 (VCV000837070.9), dbSNP rs747977469, ClinGen allele CA2249373.